The following is an entry in ClinVar:

ClinVar aggregate classification (germline): Uncertain significance. Review status: criteria provided, multiple submitters, no conflicts (2 of 4 stars). 7 submissions from 6 submitters: Uncertain significance (6). 1 of the submissions does not count toward it. Last evaluated 2025-06-03.

Conditions:
Inborn genetic diseases. Identifiers: MedGen C0950123, MeSH D030342.
Congenital myasthenic syndrome 11. Also called: MYASTHENIC SYNDROME, CONGENITAL, Ie; Myasthenic syndrome, congenital, 11, associated with acetylcholine receptor deficiency. Identifiers: Orphanet 590, MedGen C4225367, MONDO:0014588, OMIM 616326.
Fetal akinesia deformation sequence 2. Identifiers: MedGen C4760576, MONDO:0100102, OMIM 618388.
Fetal akinesia deformation sequence 1 (FADS1). Also called: Fetal akinesia sequence; Pena-Shokeir syndrome type I. Identifiers: Orphanet 994, MedGen C1276035, MONDO:0100101, OMIM 208150, HP:0001989.
Congenital myasthenic syndrome (CMS). Also called: Congenital Myasthenic Syndromes. Identifiers: Orphanet 590, MedGen C0751882, MeSH D020294, MONDO:0018940.

Allele frequency attached by ClinVar (database versions not stated): gnomAD exomes 0.00005 and 0.00015; ExAC 0.00007; TOPMed 0.00011.
gnomAD v4.1: 218 of 1,573,580 alleles (0.014%); highest among the groups gnomAD compares: Non-Finnish European, 0.018%; no homozygotes.

Submissions (7):

Ambry Genetics
Classification: Uncertain significance for Inborn genetic diseases. Last evaluated: 2025-06-03. Review status: criteria provided, single submitter. Criteria: Ambry Variant Classification Scheme 2023. Collection method: clinical testing. Allele origin: germline.

Revvity Omics, Revvity
Classification: Uncertain significance. Last evaluated: 2025-05-19. Review status: criteria provided, single submitter. Criteria: ACMG Guidelines, 2015. Collection method: clinical testing. Allele origin: germline.

Labcorp Genetics (formerly Invitae), Labcorp
Classification: Uncertain significance for Congenital myasthenic syndrome 11; Fetal akinesia deformation sequence 1. Last evaluated: 2024-10-24. Review status: criteria provided, single submitter. Criteria: Invitae Variant Classification Sherloc (09022015). Collection method: clinical testing. Allele origin: germline.
Comment: This sequence change replaces valine, which is neutral and non-polar, with methionine, which is neutral and non-polar, at codon 356 of the RAPSN protein (p.Val356Met). This variant is present in population databases (rs570140663, gnomAD 0.01%). This variant has not been reported in the literature in individuals affected with RAPSN-related conditions. ClinVar contains an entry for this variant (Variation ID: 304970). Invitae Evidence Modeling of protein sequence and biophysical properties (such as structural, functional, and spatial information, amino acid conservation, physicochemical variation, residue mobility, and thermodynamic stability) indicates that this missense variant is not expected to disrupt RAPSN protein function with a negative predictive value of 95%. In summary, the available evidence is currently insufficient to determine the role of this variant in disease. Therefore, it has been classified as a Variant of Uncertain Significance.

Fulgent Genetics
Classification: Uncertain significance for Congenital myasthenic syndrome 11; Fetal akinesia deformation sequence 2. Last evaluated: 2022-01-05. Review status: criteria provided, single submitter. Criteria: ACMG Guidelines, 2015. Collection method: clinical testing. Allele origin: unknown.

Illumina Laboratory Services, Illumina
Classification: Uncertain significance for Congenital myasthenic syndrome 11. Last evaluated: 2018-01-13. Review status: criteria provided, single submitter. Criteria: ICSL Variant Classification Criteria 13 December 2019. Collection method: clinical testing. Allele origin: germline.

Illumina Laboratory Services, Illumina
Classification: Uncertain significance for Fetal akinesia deformation sequence 1. Last evaluated: 2018-01-13. Review status: criteria provided, single submitter. Criteria: ICSL Variant Classification Criteria 13 December 2019. Collection method: clinical testing. Allele origin: germline.

Natera, Inc.
Classification: Uncertain significance for Congenital myasthenic syndrome. Last evaluated: 2020-04-13. Review status: no assertion criteria provided. Collection method: clinical testing. Allele origin: germline. Not counted in ClinVar's aggregate classification.

NM_005055.5(RAPSN):c.1066G>A (p.Val356Met)

Gene: RAPSN (receptor associated protein of the synapse; minus strand). Cytogenetic location: 11p11.2.
Variant type: single nucleotide variant.
Coding change: c.1066G>A on transcript NM_005055.5 (MANE Select); coding-DNA position 1066, G replaced by A.
Protein change: p.Val356Met; replaces valine 356 with methionine.
Molecular consequence: missense variant.
Genome position (GRCh38, 1-based): chr11:47,438,832, C>T on the plus strand (G>A on the coding strand, the complement: RAPSN is on the minus strand). VCF-style: chr11-47438832-C-T. GRCh37 (hg19) VCF-style: chr11-47460383-C-T.
Other names: c.889G>A, p.Val297Met (NM_032645.5); short protein forms V356M, V297M.
Identifiers: ClinVar variation 304970 (VCV000304970.15), dbSNP rs570140663, ClinGen allele CA5976510.
Genomic context (GRCh38, chr11:47,438,832, plus strand): 5'-GGCTGTTCTTCTCGCCTATGGACTCGCCGCACAGGCCGCAGTAGAGCTCCGTCTCCTCCA[C>T]GCACTCGTGGAACCTCACAACGTGCGCCCGCAGTTCCCGCTGCAGCCCTTTGCTGCGGTA-3'
Protein context (NP_005046.2, residues 346-366): RAHVVRFHEC[Val356Met]EETELYCGLC